The following is an entry in ClinVar:

ClinVar aggregate classification (germline): Likely benign (0 of 4 stars; one submission).

Conditions:
GATA6-related disorder. Also called: GATA6-related condition.

gnomAD v4.1: 11 of 1,553,402 alleles (0.00071%); highest among the groups gnomAD compares: African/African-American, 0.0069%; no homozygotes.

Submission:

PreventionGenetics, part of Exact Sciences
Classification: Likely benign for GATA6-related condition. Last evaluated: 2019-03-25. Review status: no assertion criteria provided. Collection method: clinical testing. Allele origin: germline.
Comment: This variant is classified as likely benign based on ACMG/AMP sequence variant interpretation guidelines (Richards et al. 2015 PMID: 25741868, with internal and published modifications).

NM_005257.6(GATA6):c.1138C>T (p.Leu380=)

Gene: GATA6 (GATA binding protein 6; plus strand). Cytogenetic location: 18q11.2.
Variant type: single nucleotide variant.
Coding change: c.1138C>T on transcript NM_005257.6 (MANE Select); coding-DNA position 1138, C replaced by T.
Protein change: p.Leu380=; no amino-acid change (leucine 380 retained).
Molecular consequence: synonymous variant.
Genome position (GRCh38, 1-based): chr18:22,176,957, C>T. VCF-style: chr18-22176957-C-T. GRCh37 (hg19) VCF-style: chr18-19756918-C-T.
Identifiers: ClinVar variation 3047125 (VCV003047125.2), dbSNP rs2033128563, ClinGen allele CA503412128.
Genomic context (GRCh38, chr18:22,176,957, plus strand): 5'-CGGGGAGGGACGGGTCCGGCGCGCCCACTCCCGCCCTCACGCACCGCTGTCGCCGCAGAC[C>T]TGCTGGAGGACCTGTCCGAGAGCCGCGAGTGCGTGAACTGCGGCTCCATCCAGACGCCGC-3'
Protein context (NP_005248.2, residues 370-390): LPVPRGPSAD[Leu380=]LEDLSESREC